The following is an entry in ClinVar:

ClinVar aggregate classification (germline): Likely benign. Review status: criteria provided, multiple submitters, no conflicts (2 of 4 stars). 2 submissions from 2 submitters: Likely benign (2). Last evaluated 2017-04-27.

Conditions:
Loeys-Dietz syndrome 4 (LDS4). Also called: ANEURYSM, AORTIC AND CEREBRAL, WITH ARTERIAL TORTUOSITY AND SKELETAL MANIFESTATIONS; TGFB2-Related Loeys-Dietz Syndrome. Identifiers: MedGen C3553762, MONDO:0013897, OMIM 614816.

Allele frequency attached by ClinVar (database versions not stated): TOPMed 0.02097; gnomAD 0.02151 and 0.02183; 1000 Genomes Project 0.02196; 1000 Genomes Project 30x 0.02217.

Submissions (2):

Illumina Laboratory Services, Illumina
Classification: Likely benign for Loeys-Dietz syndrome 4. Last evaluated: 2017-04-27. Review status: criteria provided, single submitter. Criteria: ICSL Variant Classification Criteria 13 December 2019. Collection method: clinical testing. Allele origin: germline.
Comment: This variant was observed as part of a predisposition screen in an ostensibly healthy population. A literature search was performed for the gene, cDNA change, and amino acid change (where applicable). No publications were found based on this search. Allele frequency data from public databases allowed determination this variant is unlikely to cause disease. Therefore, this variant is classified as likely benign.

Breakthrough Genomics
Classification: Likely benign. Review status: criteria provided, single submitter. Criteria: ACMG Guidelines, 2015. Collection method: not provided. Allele origin: germline. Inheritance: Autosomal dominant inheritance. Affected: yes.

NM_003238.6(TGFB2):c.*2188T>C

Genes: TGFB2 (transforming growth factor beta 2; plus strand), TGFB2-OT1 (TGFB2 overlapping transcript 1; plus strand). Cytogenetic location: 1q41.
Variant type: single nucleotide variant.
Coding change: c.*2188T>C on transcript NM_003238.6 (MANE Select); 2188 bases downstream of the stop codon, T replaced by C.
Molecular consequence: 3 prime UTR variant. On other transcripts: non-coding transcript variant (3).
Genome position (GRCh38, 1-based): chr1:218,443,550, T>C. VCF-style: chr1-218443550-T-C. GRCh37 (hg19) VCF-style: chr1-218616892-T-C.
Other names: c.*2188T>C (NM_001135599.4).
Identifiers: ClinVar variation 295527 (VCV000295527.6), dbSNP rs17047869, ClinGen allele CA10609146.